The following is an entry in ClinVar:

ClinVar aggregate classification (germline): Likely benign (1 of 4 stars; one submission).

Allele frequency attached by ClinVar (database versions not stated): 1000 Genomes Project 0.00180; 1000 Genomes Project 30x 0.00203; TOPMed 0.00414; gnomAD 0.00512 and 0.00530.
gnomAD v4.1: 6,259 of 977,134 alleles (0.64%); highest among the groups gnomAD compares: Non-Finnish European, 0.73%; 42 homozygotes.

Submission:

GeneDx
Classification: Likely benign. Last evaluated: 2018-06-16. Review status: criteria provided, single submitter. Criteria: GeneDx Variant Classification (06012015). Collection method: clinical testing. Allele origin: germline. Affected: yes.
Comment: This variant is considered likely benign or benign based on one or more of the following criteria: it is a conservative change, it occurs at a poorly conserved position in the protein, it is predicted to be benign by multiple in silico algorithms, and/or has population frequency not consistent with disease.

NM_001032283.3(TMPO):c.565+99A>C

Gene: TMPO (thymopoietin; plus strand). Cytogenetic location: 12q23.1.
Variant type: single nucleotide variant.
Coding change: c.565+99A>C on transcript NM_001032283.3 (MANE Select); 99 bases into the intron after coding-DNA position 565, A replaced by C.
Molecular consequence: intron variant.
Genome position (GRCh38, 1-based): chr12:98,531,937, A>C. VCF-style: chr12-98531937-A-C. GRCh37 (hg19) VCF-style: chr12-98925715-A-C.
Other names: c.565+99A>C (NM_003276.2, NM_001307975.2, NM_001032284.3).
Identifiers: ClinVar variation 676582 (VCV000676582.1), dbSNP rs187564154, ClinGen allele CA13728462.